The following is an entry in ClinVar:

ClinVar aggregate classification (germline): Uncertain significance (1 of 4 stars; one submission).

Conditions:
Cardiomyopathy (CMYO). Also called: Cardiomyopathies. Identifiers: Orphanet 167848, MedGen C0878544, MONDO:0004994, HP:0001638. Inheritance: Various modes of inheritance.

Allele frequency attached by ClinVar (database versions not stated): gnomAD exomes 0.00001.
gnomAD v4.1: 8 of 1,543,020 alleles (0.00052%); highest among the groups gnomAD compares: South Asian, 0.0096%; no homozygotes.

Submission:

Color Diagnostics, LLC DBA Color Health
Classification: Uncertain significance for Cardiomyopathy. Last evaluated: 2018-12-18. Review status: criteria provided, single submitter. Criteria: ACMG Guidelines, 2015. Collection method: clinical testing. Allele origin: germline.
Comment: Variant of Uncertain Significance due to insufficient evidence: This variant changes a conserved nucleotide in the 5' untranslated region of the LMNA gene. To our knowledge, functional assays have not been performed for this variant nor has this variant been reported in individuals affected with cardiovascular disorders in the literature. This variant is rare in the general population and has been identified in 0/277264 chromosomes by the Genome Aggregation Database (gnomAD). Available evidence is insufficient to determine the role of this variant in disease conclusively.

NM_170707.4(LMNA):c.-4G>A

Gene: LMNA (lamin A/C; plus strand). Cytogenetic location: 1q22.
Variant type: single nucleotide variant.
Coding change: c.-4G>A on transcript NM_170707.4 (MANE Select); 4 bases upstream of the start codon, G replaced by A.
Molecular consequence: 5 prime UTR variant.
Genome position (GRCh38, 1-based): chr1:156,114,915, G>A. VCF-style: chr1-156114915-G-A. GRCh37 (hg19) VCF-style: chr1-156084706-G-A.
Other names: c.-4G>A (NM_001282625.2, NM_001282626.2, NM_005572.4 and 1 more transcripts).
Identifiers: ClinVar variation 924308 (VCV000924308.3), dbSNP rs1205781706, ClinGen allele CA526466857.
Genomic context (GRCh38, chr1:156,114,915, plus strand): 5'-GACCCGAGCCCCGCGCCCTTTCCGGGACCCCTGCCCCGCGGGCAGCGCTGCCAACCTGCC[G>A]GCCATGGAGACCCCGTCCCAGCGGCGCGCCACCCGCAGCGGGGCGCAGGCCAGCTCCACT-3'